The following is an entry in ClinVar:

ClinVar aggregate classification (germline): Likely benign. Review status: criteria provided, multiple submitters, no conflicts (2 of 4 stars). 5 submissions from 5 submitters: Likely benign (5). Last evaluated 2025-12-13.

Conditions:
Developmental and epileptic encephalopathy, 18 (DEE18). Also called: Early infantile epileptic encephalopathy 18. Identifiers: Orphanet 369894, MedGen C3809624, MONDO:0014201, OMIM 615476.
Inborn genetic diseases. Identifiers: MedGen C0950123, MeSH D030342.

Allele frequency attached by ClinVar (database versions not stated): gnomAD 0.00003; ESP Exome Variant Server 0.00008.
gnomAD v4.1: 44 of 1,614,112 alleles (0.0027%); highest among the groups gnomAD compares: African/African-American, 0.025%; no homozygotes.

Submissions (5):

Labcorp Genetics (formerly Invitae), Labcorp
Classification: Likely benign. Last evaluated: 2025-12-13. Review status: criteria provided, single submitter. Criteria: Invitae Variant Classification Sherloc (09022015). Collection method: clinical testing. Allele origin: germline.

Blueprint Genetics
Classification: Likely benign. Last evaluated: 2024-09-16. Review status: criteria provided, single submitter. Criteria: ACMG Guidelines, 2015. Collection method: clinical testing. Allele origin: germline.

CeGaT Center for Human Genetics Tuebingen
Classification: Likely benign. Last evaluated: 2024-01-01. Review status: criteria provided, single submitter. Criteria: CeGaT Center For Human Genetics Tuebingen Variant Classification Criteria Version 2. Collection method: clinical testing. Allele origin: germline. Affected: yes. Observed: 2 variant alleles.
Comment: SZT2: BP4, BP7

Genome-Nilou Lab
Classification: Likely benign for Developmental and epileptic encephalopathy, 18. Last evaluated: 2023-04-11. Review status: criteria provided, single submitter. Criteria: ACMG Guidelines, 2015. Collection method: clinical testing. Allele origin: germline. Affected: no.

Ambry Genetics
Classification: Likely benign for Inborn genetic diseases. Last evaluated: 2017-12-20. Review status: criteria provided, single submitter. Criteria: Ambry Variant Classification Scheme 2023. Collection method: clinical testing. Allele origin: germline.

NM_001365999.1(SZT2):c.3657C>T (p.Tyr1219=)

Gene: SZT2 (SZT2 subunit of KICSTOR complex; plus strand). Cytogenetic location: 1p34.2.
Variant type: single nucleotide variant.
Coding change: c.3657C>T on transcript NM_001365999.1 (MANE Select); coding-DNA position 3657, C replaced by T.
Protein change: p.Tyr1219=; no amino-acid change (tyrosine 1219 retained).
Molecular consequence: synonymous variant.
Genome position (GRCh38, 1-based): chr1:43,427,588, C>T. VCF-style: chr1-43427588-C-T. GRCh37 (hg19) VCF-style: chr1-43893259-C-T.
Other names: c.3486C>T, p.Tyr1162= (NM_015284.4).
Identifiers: ClinVar variation 1082854 (VCV001082854.35), dbSNP rs111604978, ClinGen allele CA809055.
Genomic context (GRCh38, chr1:43,427,588, plus strand): 5'-AGACAATGCCCAGAATCAAGGAGAGCTAAGTCCACCATTCCGTCGAGACTTACAGGCTTA[C>T]GCTGGGCGTCAGGCTTCCCAGACAGAGAGTGCGGATGGGCCCCGGACCCGGTGTCCTGTC-3'
Protein context (NP_001352928.1, residues 1209-1229): SPPFRRDLQA[Tyr1219=]AGRQASQTES